The following is an entry in ClinVar:

ClinVar aggregate classification (germline): Uncertain significance (1 of 4 stars; one submission).

gnomAD v4.1: 17 of 1,613,886 alleles (0.0011%); highest among the groups gnomAD compares: Middle Eastern, 0.05%; no homozygotes.

Submission:

Women's Health and Genetics/Laboratory Corporation of America, LabCorp
Classification: Uncertain significance. Last evaluated: 2025-04-10. Review status: criteria provided, single submitter. Criteria: LabCorp Variant Classification Summary - May 2015. Collection method: clinical testing. Allele origin: germline.
Comment: Variant summary: GBA1 c.922G>A (p.Ala308Thr) results in a non-conservative amino acid change located in the Glycosyl hydrolase family 30, TIM-barrel domain (IPR033453) of the encoded protein sequence. Three of five in-silico tools predict a damaging effect of the variant on protein function. The variant allele was found at a frequency of 1.1e-05 in 1613886 control chromosomes. This frequency is not significantly higher than estimated for a pathogenic variant in GBA1 causing Gaucher Disease (1.1e-05 vs 0.005), allowing no conclusion about variant significance. c.922G>A has been reported in the literature in unspecified individuals affected with Parkinsons disease or schizophrenia spectrum disorders (Zhou_2023, Sriretnakumar_2024). These report(s) do not provide unequivocal conclusions about association of the variant with Gaucher Disease. To our knowledge, no experimental evidence demonstrating an impact on protein function has been reported. The following publications have been ascertained in the context of this evaluation (PMID: 38532509, 37658046). No submitters have cited clinical-significance assessments for this variant to ClinVar. Based on the evidence outlined above, the variant was classified as uncertain significance.

Literature cited by the submitters: PubMed 37658046; PubMed 38532509.

NM_000157.4(GBA1):c.922G>A (p.Ala308Thr)

Genes: GBA1 (glucosylceramidase beta 1; minus strand), LOC106627981 (GBA recombination region; plus strand). Cytogenetic location: 1q22.
Variant type: single nucleotide variant.
Coding change: c.922G>A on transcript NM_000157.4 (MANE Select); coding-DNA position 922, G replaced by A.
Protein change: p.Ala308Thr; replaces alanine 308 with threonine.
Molecular consequence: missense variant.
Genome position (GRCh38, 1-based): chr1:155,237,418, C>T on the plus strand (G>A on the coding strand, the complement: GBA1 is on the minus strand). VCF-style: chr1-155237418-C-T. GRCh37 (hg19) VCF-style: chr1-155207209-C-T.
Other names: c.922G>A, p.Ala308Thr (NM_001005741.3, NM_001005742.3); c.661G>A, p.Ala221Thr (NM_001171811.2); c.775G>A, p.Ala259Thr (NM_001171812.2); short protein forms A221T, A259T, A308T.
Identifiers: ClinVar variation 3896347 (VCV003896347.2).